The following is an entry in ClinVar:

NM_000152.5(GAA):c.1069G>A (p.Val357Ile)

Gene: GAA (alpha glucosidase; plus strand). Cytogenetic location: 17q25.3.
Variant type: single nucleotide variant.
Coding change: c.1069G>A on transcript NM_000152.5 (MANE Select); coding-DNA position 1069, G replaced by A.
Protein change: p.Val357Ile; replaces valine 357 with isoleucine.
Molecular consequence: missense variant.
Genome position (GRCh38, 1-based): chr17:80,108,403, G>A. VCF-style: chr17-80108403-G-A. GRCh37 (hg19) VCF-style: chr17-78082202-G-A.
Other names: p.Val357Ile; c.1069G>A, p.Val357Ile (NM_001079803.3, NM_001079804.3); c.1069G>A (NM_000152.3); short protein forms V357I.
Identifiers: ClinVar variation 1176696 (VCV001176696.43), dbSNP rs754449703, ClinGen allele CA8815138.

ClinVar aggregate classification (germline): Uncertain significance. Review status: criteria provided, multiple submitters, no conflicts (2 of 4 stars). 6 submissions from 6 submitters: Uncertain significance (6). Last evaluated 2025-12-12.

Conditions:
Glycogen storage disease, type II (IOPD). Also called: Glycogen storage disease type 2; Acid maltase deficiency disease; Aglucosidase alfa; Deficiency of alpha-glucosidase; Deficiency of lysosomal alpha-glucosidase; CARDIOMEGALIA GLYCOGENICA DIFFUSA. Identifiers: Orphanet 365, MedGen C0017921, MONDO:0009290, OMIM 232300.
Glycogen storage disease due to acid maltase deficiency, late-onset (LOPD). Also called: POMPE DISEASE, LATE-ONSET; GLYCOGEN STORAGE DISEASE II, LATE-ONSET; ACID ALPHA-GLUCOSIDASE DEFICIENCY, LATE-ONSET; GAA DEFICIENCY, LATE-ONSET; ACID MALTASE DEFICIENCY, LATE-ONSET; AMD, LATE-ONSET. Identifiers: Orphanet 420429, MedGen C0342753, MONDO:0018485, OMIM 621314.

Allele frequency attached by ClinVar (database versions not stated): ExAC 0.00002.

Submissions (6):

GeneDx
Classification: Uncertain significance. Last evaluated: 2025-12-12. Review status: criteria provided, single submitter. Criteria: GeneDx Variant Classification Process June 2021. Collection method: clinical testing. Allele origin: germline.
Comment: In silico analysis supports that this missense variant does not alter protein structure/function; Has not been previously published as pathogenic or benign to our knowledge

Revvity Omics, Revvity
Classification: Uncertain significance. Last evaluated: 2025-06-05. Review status: criteria provided, single submitter. Criteria: ACMG Guidelines, 2015. Collection method: clinical testing. Allele origin: germline.

Clinical Genomics Laboratory, Stanford Medicine
Classification: Uncertain significance for Glycogen storage disease, type II; Glycogen storage disease due to acid maltase deficiency, late-onset. Last evaluated: 2023-09-08. Review status: criteria provided, single submitter. Criteria: ACMG Guidelines, 2015. Collection method: clinical testing. Allele origin: germline. Observed: 1 variant allele, 1 heterozygote.
Comment: The p.Val357Ile variant in the GAA gene has not been previously reported in association with disease. This variant has been identified in 4/18384 East Asian chromosomes (4/250878 chromosomes overall) by the Genome Aggregation Database. This variant is present in ClinVar (Accession: VCV001176696.37). Computational tools predict that this variant is neither deleterious nor benign; however, the accuracy of in silico algorithms is limited. These data were assessed using the ACMG/AMP variant interpretation guidelines. In summary, the significance of the p.Val357Ile variant is uncertain. Additional information is needed to resolve the significance of this variant. [ACMG evidence codes used: PM2]

Mayo Clinic Laboratories, Mayo Clinic
Classification: Uncertain significance. Last evaluated: 2023-01-12. Review status: criteria provided, single submitter. Criteria: ACMG Guidelines, 2015. Collection method: clinical testing. Allele origin: germline. Observed: 1 variant allele.
Comment: PM2

Labcorp Genetics (formerly Invitae), Labcorp
Classification: Uncertain significance for Glycogen storage disease, type II. Last evaluated: 2022-09-07. Review status: criteria provided, single submitter. Criteria: Invitae Variant Classification Sherloc (09022015). Collection method: clinical testing. Allele origin: germline.
Comment: This sequence change replaces valine, which is neutral and non-polar, with isoleucine, which is neutral and non-polar, at codon 357 of the GAA protein (p.Val357Ile). This variant is present in population databases (rs754449703, gnomAD 0.02%). This variant has not been reported in the literature in individuals affected with GAA-related conditions. ClinVar contains an entry for this variant (Variation ID: 1176696). Advanced modeling of protein sequence and biophysical properties (such as structural, functional, and spatial information, amino acid conservation, physicochemical variation, residue mobility, and thermodynamic stability) performed at Invitae indicates that this missense variant is not expected to disrupt GAA protein function. Algorithms developed to predict the effect of sequence changes on RNA splicing suggest that this variant may create or strengthen a splice site. In summary, the available evidence is currently insufficient to determine the role of this variant in disease. Therefore, it has been classified as a Variant of Uncertain Significance.

CeGaT Center for Human Genetics Tuebingen
Classification: Uncertain significance. Last evaluated: 2021-04-01. Review status: criteria provided, single submitter. Criteria: CeGaT Center For Human Genetics Tuebingen Variant Classification Criteria Version 2. Collection method: clinical testing. Allele origin: germline. Affected: yes. Observed: 1 variant allele.